The following is an entry in ClinVar:

NM_000834.5(GRIN2B):c.1820G>C (p.Trp607Ser)

Gene: GRIN2B (glutamate ionotropic receptor NMDA type subunit 2B; minus strand). Cytogenetic location: 12p13.1.
Variant type: single nucleotide variant.
Coding change: c.1820G>C on transcript NM_000834.5 (MANE Select); coding-DNA position 1820, G replaced by C.
Protein change: p.Trp607Ser; replaces tryptophan 607 with serine.
Molecular consequence: missense variant.
Genome position (GRCh38, 1-based): chr12:13,608,793, C>G on the plus strand (G>C on the coding strand, the complement: GRIN2B is on the minus strand). VCF-style: chr12-13608793-C-G. GRCh37 (hg19) VCF-style: chr12-13761727-C-G.
Other names: short protein forms W607S.
Identifiers: ClinVar variation 828156 (VCV000828156.2), dbSNP rs1591638805, ClinGen allele CA384051276.

ClinVar aggregate classification (germline): Pathogenic. Review status: criteria provided, single submitter (1 of 4 stars). 2 submissions from 2 submitters: Pathogenic (1). 1 of the submissions does not count toward it. Last evaluated 2025-03-03.

Conditions:
Developmental and epileptic encephalopathy, 27 (DEE27). Also called: GRIN2B-Related Neurodevelopmental Disorder; Epileptic encephalopathy, early infantile, 27. Identifiers: Orphanet 3451, MedGen C4015316, MONDO:0014505, OMIM 616139.

Submissions (2):

Institute of Human Genetics, University of Leipzig Medical Center
Classification: Pathogenic for Developmental and epileptic encephalopathy, 27. Last evaluated: 2025-03-03. Review status: criteria provided, single submitter. Criteria: ACMG Guidelines, 2015. Collection method: clinical testing. Allele origin: unknown. Inheritance: Autosomal dominant inheritance. Affected: yes.
Comment: Criteria applied: PS2,PS3,PM2,PM5,PM1_SUP,PP2,PP3

Biochemical Molecular Genetic Laboratory, King Abdulaziz Medical City
Classification: Uncertain significance for Developmental and epileptic encephalopathy, 27. Last evaluated: 2020-02-05. Review status: no assertion criteria provided. Collection method: clinical testing. Allele origin: germline. Affected: yes. Not counted in ClinVar's aggregate classification.